The following is an entry in ClinVar:

ClinVar aggregate classification (germline): Uncertain significance. Review status: criteria provided, multiple submitters, no conflicts (2 of 4 stars). 2 submissions from 2 submitters: Uncertain significance (2). Last evaluated 2025-04-09.

Conditions:
RASopathy. Also called: Noonan spectrum disorder; rasopathies. Identifiers: Orphanet 536391, MedGen C5555857, MONDO:0021060.

Allele frequency attached by ClinVar (database versions not stated): gnomAD exomes below 0.00001; gnomAD 0.00001; TOPMed 0.00001.
gnomAD v4.1: 3 of 1,614,042 alleles (0.00019%); highest among the groups gnomAD compares: African/African-American, 0.0013%; no homozygotes.

Submissions (2):

Labcorp Genetics (formerly Invitae), Labcorp
Classification: Uncertain significance for RASopathy. Last evaluated: 2025-04-09. Review status: criteria provided, single submitter. Criteria: Invitae Variant Classification Sherloc (09022015). Collection method: clinical testing. Allele origin: germline.
Comment: This sequence change replaces valine, which is neutral and non-polar, with methionine, which is neutral and non-polar, at codon 430 of the CBL protein (p.Val430Met). This variant is not present in population databases (gnomAD no frequency). This variant has not been reported in the literature in individuals affected with CBL-related conditions. ClinVar contains an entry for this variant (Variation ID: 565400). Invitae Evidence Modeling of protein sequence and biophysical properties (such as structural, functional, and spatial information, amino acid conservation, physicochemical variation, residue mobility, and thermodynamic stability) has been performed for this missense variant. However, the output from this modeling did not meet the statistical confidence thresholds required to predict the impact of this variant on CBL protein function. Experimental studies have shown that this missense change does not substantially affect CBL function (PMID: 26676746). In summary, the available evidence is currently insufficient to determine the role of this variant in disease. Therefore, it has been classified as a Variant of Uncertain Significance.

Women's Health and Genetics/Laboratory Corporation of America, LabCorp
Classification: Uncertain significance. Last evaluated: 2022-06-20. Review status: criteria provided, single submitter. Criteria: LabCorp Variant Classification Summary - May 2015. Collection method: clinical testing. Allele origin: germline.
Comment: Variant summary: CBL c.1288G>A (p.Val430Met) results in a conservative amino acid change in the encoded protein sequence. Four of five in-silico tools predict a damaging effect of the variant on protein function. The variant was absent in 251426 control chromosomes. The available data on variant occurrences in the general population are insufficient to allow any conclusion about variant significance. To our knowledge, no occurrence of c.1288G>A in individuals affected with Noonan Syndrome And Related Conditions has been reported. The variant has been reported to have a borderline destabalizing impact on CBL-E2 binding computationally and experimentally (Li_2016). One clinical diagnostic laboratory has submitted clinical-significance assessments for this variant to ClinVar after 2014 without evidence for independent evaluation. One laboratory classified the variant as uncertain significance. Based on the evidence outlined above, the variant was classified as uncertain significance.

Literature cited by the submitters: PubMed 26676746 (cited by Labcorp Genetics (formerly Invitae), Labcorp and Women's Health and Genetics/Laboratory Corporation of America, LabCorp).

NM_005188.4(CBL):c.1288G>A (p.Val430Met)

Gene: CBL (Cbl proto-oncogene; plus strand). Cytogenetic location: 11q23.3.
Variant type: single nucleotide variant.
Coding change: c.1288G>A on transcript NM_005188.4 (MANE Select); coding-DNA position 1288, G replaced by A.
Protein change: p.Val430Met; replaces valine 430 with methionine.
Molecular consequence: missense variant.
Genome position (GRCh38, 1-based): chr11:119,278,570, G>A. VCF-style: chr11-119278570-G-A. GRCh37 (hg19) VCF-style: chr11-119149280-G-A.
Other names: short protein forms V430M.
Identifiers: ClinVar variation 565400 (VCV000565400.10), dbSNP rs991981291, ClinGen allele CA229662011.
Genomic context (GRCh38, chr11:119,278,570, plus strand): 5'-GAATCAGAAGGTCAGGGCTGTCCTTTCTGCCGATGTGAAATTAAAGGTACTGAACCCATC[G>A]TGGTAGATCCGTTTGATCCTAGAGGGAGTGGCAGCCTGTTGAGGCAAGGAGCAGAGGGAG-3'
Protein context (NP_005179.2, residues 420-440): RCEIKGTEPI[Val430Met]VDPFDPRGSG